The following is an entry in ClinVar:

NM_002291.3(LAMB1):c.3299C>T (p.Thr1100Met)

Gene: LAMB1 (laminin subunit beta 1; minus strand). Cytogenetic location: 7q31.1.
Variant type: single nucleotide variant.
Coding change: c.3299C>T on transcript NM_002291.3 (MANE Select); coding-DNA position 3299, C replaced by T.
Protein change: p.Thr1100Met; replaces threonine 1100 with methionine.
Molecular consequence: missense variant.
Genome position (GRCh38, 1-based): chr7:107,951,318, G>A on the plus strand (C>T on the coding strand, the complement: LAMB1 is on the minus strand). VCF-style: chr7-107951318-G-A. GRCh37 (hg19) VCF-style: chr7-107591763-G-A.
Other names: short protein forms T1100M.
Identifiers: ClinVar variation 916288 (VCV000916288.48), dbSNP rs145485632, ClinGen allele CA4435369.

ClinVar aggregate classification (germline): Uncertain significance. Review status: criteria provided, multiple submitters, no conflicts (2 of 4 stars). 4 submissions from 4 submitters: Uncertain significance (4). Last evaluated 2026-07-27.

Conditions:
Inborn genetic diseases. Identifiers: MedGen C0950123, MeSH D030342.

Allele frequency attached by ClinVar (database versions not stated): ESP Exome Variant Server 0.00031; gnomAD exomes 0.00032 and 0.00066; ExAC 0.00035; gnomAD 0.00036; TOPMed 0.00041; 1000 Genomes Project 0.00100; 1000 Genomes Project 30x 0.00125.
gnomAD v4.1: 1,011 of 1,613,970 alleles (0.063%); highest among the groups gnomAD compares: Non-Finnish European, 0.078%; no homozygotes.

Submissions (4):

Ambry Genetics
Classification: Uncertain significance for Inborn genetic diseases. Last evaluated: 2026-07-27. Review status: criteria provided, single submitter. Criteria: Ambry Variant Classification Scheme 2023. Collection method: clinical testing. Allele origin: germline.
Comment: The c.3299C>T (p.T1100M) alteration is located in exon 24 (coding exon 23) of the LAMB1 gene. This alteration results from a C to T substitution at nucleotide position 3299, causing the threonine (T) at amino acid position 1100 to be replaced by a methionine (M). Based on data from gnomAD, the T allele has an overall frequency of 0.032% (91/282176) total alleles studied. The highest observed frequency was 0.057% (73/128708) of European (non-Finnish) alleles. Based on insufficient or conflicting evidence, the clinical significance of this alteration remains unclear.

Labcorp Genetics (formerly Invitae), Labcorp
Classification: Uncertain significance. Last evaluated: 2026-01-14. Review status: criteria provided, single submitter. Criteria: Invitae Variant Classification Sherloc (09022015). Collection method: clinical testing. Allele origin: germline.
Comment: This sequence change replaces threonine, which is neutral and polar, with methionine, which is neutral and non-polar, at codon 1100 of the LAMB1 protein (p.Thr1100Met). This variant is present in population databases (rs145485632, gnomAD 0.05%). This variant has not been reported in the literature in individuals affected with LAMB1-related conditions. ClinVar contains an entry for this variant (Variation ID: 916288). An algorithm developed to predict the effect of missense changes on protein structure and function (PolyPhen-2) suggests that this variant is likely to be disruptive. In summary, the available evidence is currently insufficient to determine the role of this variant in disease. Therefore, it has been classified as a Variant of Uncertain Significance.

GeneDx
Classification: Uncertain significance. Last evaluated: 2021-06-30. Review status: criteria provided, single submitter. Criteria: GeneDx Variant Classification Process June 2021. Collection method: clinical testing. Allele origin: germline. Affected: yes.
Comment: In silico analysis supports that this missense variant has a deleterious effect on protein structure/function; Has not been previously published as pathogenic or benign to our knowledge; This variant is associated with the following publications: (PMID: 27535533)

CeGaT Center for Human Genetics Tuebingen
Classification: Uncertain significance. Last evaluated: 2020-11-01. Review status: criteria provided, single submitter. Criteria: CeGaT Center For Human Genetics Tuebingen Variant Classification Criteria Version 2. Collection method: clinical testing. Allele origin: germline. Affected: yes. Observed: 2 variant alleles.